The following is an entry in ClinVar:

ClinVar aggregate classification (germline): Uncertain significance (1 of 4 stars; one submission).

Conditions:
Inborn genetic diseases. Identifiers: MedGen C0950123, MeSH D030342.

Submission:

Ambry Genetics
Classification: Uncertain significance for Inborn genetic diseases. Last evaluated: 2025-03-06. Review status: criteria provided, single submitter. Criteria: Ambry Variant Classification Scheme 2023. Collection method: clinical testing. Allele origin: germline.
Comment: The p.M342L variant (also known as c.1024A>T), located in coding exon 12 of the FANCA gene, results from an A to T substitution at nucleotide position 1024. The methionine at codon 342 is replaced by leucine, an amino acid with highly similar properties. This amino acid position is conserved. In addition, the in silico prediction for this alteration is inconclusive. Based on the available evidence, the clinical significance of this variant remains unclear.

NM_000135.4(FANCA):c.1024A>T (p.Met342Leu)

Gene: FANCA (FA complementation group A; minus strand). Cytogenetic location: 16q24.3.
Variant type: single nucleotide variant.
Coding change: c.1024A>T on transcript NM_000135.4 (MANE Select); coding-DNA position 1024, A replaced by T.
Protein change: p.Met342Leu; replaces methionine 342 with leucine.
Molecular consequence: missense variant.
Genome position (GRCh38, 1-based): chr16:89,792,530, T>A on the plus strand (A>T on the coding strand, the complement: FANCA is on the minus strand). VCF-style: chr16-89792530-T-A. GRCh37 (hg19) VCF-style: chr16-89858938-T-A.
Other names: c.1024A>T, p.Met342Leu (NM_001286167.3); short protein forms M342L.
Identifiers: ClinVar variation 3848291 (VCV003848291.1).